The following is an entry in ClinVar:

ClinVar aggregate classification (germline): Uncertain significance (1 of 4 stars; one submission).

Conditions:
Atrioventricular septal defect 5 (AVSD5). Identifiers: MedGen C3280939, MONDO:0013769, OMIM 614474.

Allele frequency attached by ClinVar (database versions not stated): TOPMed below 0.00001.

Submission:

Labcorp Genetics (formerly Invitae), Labcorp
Classification: Uncertain significance for Atrioventricular septal defect 5. Last evaluated: 2022-12-19. Review status: criteria provided, single submitter. Criteria: Invitae Variant Classification Sherloc (09022015). Collection method: clinical testing. Allele origin: germline.
Comment: In summary, the available evidence is currently insufficient to determine the role of this variant in disease. Therefore, it has been classified as a Variant of Uncertain Significance. Advanced modeling of protein sequence and biophysical properties (such as structural, functional, and spatial information, amino acid conservation, physicochemical variation, residue mobility, and thermodynamic stability) performed at Invitae indicates that this missense variant is not expected to disrupt GATA6 protein function. ClinVar contains an entry for this variant (Variation ID: 1393057). This variant has not been reported in the literature in individuals affected with GATA6-related conditions. This variant is not present in population databases (gnomAD no frequency). This sequence change replaces glycine, which is neutral and non-polar, with serine, which is neutral and polar, at codon 297 of the GATA6 protein (p.Gly297Ser).

NM_005257.6(GATA6):c.889G>A (p.Gly297Ser)

Gene: GATA6 (GATA binding protein 6; plus strand). Cytogenetic location: 18q11.2.
Variant type: single nucleotide variant.
Coding change: c.889G>A on transcript NM_005257.6 (MANE Select); coding-DNA position 889, G replaced by A.
Protein change: p.Gly297Ser; replaces glycine 297 with serine.
Molecular consequence: missense variant.
Genome position (GRCh38, 1-based): chr18:22,172,033, G>A. VCF-style: chr18-22172033-G-A. GRCh37 (hg19) VCF-style: chr18-19751994-G-A.
Other names: short protein forms G297S.
Identifiers: ClinVar variation 1393057 (VCV001393057.6), dbSNP rs2033058660, ClinGen allele CA401801261.